The following is an entry in ClinVar:

NM_001127208.3(TET2):c.39A>C (p.Arg13Ser)

Genes: TET2 (tet methylcytosine dioxygenase 2; plus strand), TET2-AS1 (TET2 antisense RNA 1; minus strand). Cytogenetic location: 4q24.
Variant type: single nucleotide variant.
Coding change: c.39A>C on transcript NM_001127208.3 (MANE Select); coding-DNA position 39, A replaced by C.
Protein change: p.Arg13Ser; replaces arginine 13 with serine.
Molecular consequence: missense variant.
Genome position (GRCh38, 1-based): chr4:105,233,981, A>C. VCF-style: chr4-105233981-A-C. GRCh37 (hg19) VCF-style: chr4-106155138-A-C.
Other names: c.39A>C, p.Arg13Ser (NM_017628.4); short protein forms R13S.
Identifiers: ClinVar variation 4865541 (VCV004865541.1).

ClinVar aggregate classification (germline): Uncertain significance (1 of 4 stars; one submission).

Submission:

Ambry Genetics
Classification: Uncertain significance. Last evaluated: 2026-04-18. Review status: criteria provided, single submitter. Criteria: Ambry Variant Classification Scheme 2023. Collection method: clinical testing. Allele origin: germline.
Comment: The p.R13S variant (also known as c.39A>C), located in coding exon 1 of the TET2 gene, results from an A to C substitution at nucleotide position 39. The arginine at codon 13 is replaced by serine, an amino acid with dissimilar properties. This amino acid position is conserved. In addition, this alteration is predicted to be tolerated by in silico analysis. Based on the available evidence, the clinical significance of this variant remains unclear.